The following is an entry in ClinVar:

ClinVar aggregate classification (germline): Uncertain significance (1 of 4 stars; one submission).

Submission:

Labcorp Genetics (formerly Invitae), Labcorp
Classification: Uncertain significance. Last evaluated: 2022-09-19. Review status: criteria provided, single submitter. Criteria: Invitae Variant Classification Sherloc (09022015). Collection method: clinical testing. Allele origin: germline.
Comment: In summary, the available evidence is currently insufficient to determine the role of this variant in disease. Therefore, it has been classified as a Variant of Uncertain Significance. Algorithms developed to predict the effect of missense changes on protein structure and function are either unavailable or do not agree on the potential impact of this missense change (SIFT: "Deleterious"; PolyPhen-2: "Possibly Damaging"; Align-GVGD: "Class C0"). ClinVar contains an entry for this variant (Variation ID: 1042886). This variant has not been reported in the literature in individuals affected with CEP78-related conditions. This variant is not present in population databases (gnomAD no frequency). This sequence change replaces serine, which is neutral and polar, with cysteine, which is neutral and slightly polar, at codon 690 of the CEP78 protein (p.Ser690Cys).

NM_001330691.3(CEP78):c.2066C>G (p.Ser689Cys)

Gene: CEP78 (centrosomal protein 78; plus strand). Cytogenetic location: 9q21.2.
Variant type: single nucleotide variant.
Coding change: c.2066C>G on transcript NM_001330691.3 (MANE Select); coding-DNA position 2066, C replaced by G.
Protein change: p.Ser689Cys; replaces serine 689 with cysteine.
Molecular consequence: missense variant.
Genome position (GRCh38, 1-based): chr9:78,266,662, C>G. VCF-style: chr9-78266662-C-G. GRCh37 (hg19) VCF-style: chr9-80881578-C-G.
Other names: c.2069C>G, p.Ser690Cys (NM_001098802.3, NM_001349839.2); c.2018C>G, p.Ser673Cys (NM_001330693.3, NM_001330694.2); c.2066C>G, p.Ser689Cys (NM_001349838.2); c.2021C>G, p.Ser674Cys (NM_001349840.2, NM_032171.3); short protein forms S674C, S689C, S673C, S690C.
Identifiers: ClinVar variation 1042886 (VCV001042886.6), dbSNP rs1238155313, ClinGen allele CA373867887.